The following is an entry in ClinVar:

ClinVar aggregate classification (germline): Pathogenic (1 of 4 stars; one submission).

Conditions:
Mucopolysaccharidosis, MPS-III-A (MPS3A). Also called: HEPARAN SULFATE SULFATASE DEFICIENCY; SANFILIPPO SYNDROME A; SULFAMIDASE DEFICIENCY; MPS III A; MUCOPOLYSACCHARIDOSIS, TYPE IIIA, ATTENUATED; Mucopolysaccharidosis type IIIA (Sanfilippo A). Identifiers: Orphanet 581, Orphanet 79269, MedGen C0086647, MONDO:0009655, OMIM 252900.

Submission:

Myriad Genetics, Inc.
Classification: Pathogenic for Mucopolysaccharidosis, MPS-III-A. Last evaluated: 2023-09-27. Review status: criteria provided, single submitter. Criteria: Myriad Autosomal Dominant, Autosomal Recessive and X-Linked Classification Criteria (2023). Collection method: clinical testing. Allele origin: unknown.
Comment: NM_000199.3(SGSH):c.512dupT(F172Lfs*24) is expected to be pathogenic in the context of mucopolysaccharidosis type IIIA. This variant is predicted to lead to an abnormal or absent protein product due to the creation of a premature termination codon in SGSH, a gene where loss-of-function variants are known to be pathogenic. Please note: this variant was assessed in the context of healthy population screening.

NM_000199.5(SGSH):c.512dup (p.Phe172fs)

Gene: SGSH (N-sulfoglucosamine sulfohydrolase; minus strand). Cytogenetic location: 17q25.3.
Variant type: Duplication.
Coding change: c.512dup on transcript NM_000199.5 (MANE Select); coding-DNA position 512, one base duplicated (T; older notation c.512dupT).
Protein change: p.Phe172fs; shifts the reading frame from phenylalanine 172.
Molecular consequence: frameshift variant. On other transcripts: non-coding transcript variant (1).
Genome position (GRCh38, 1-based): chr17:80,214,323, A duplicated on the plus strand (T on the coding strand, the reverse complement: SGSH is on the minus strand); the first of 3 consecutive A bases (chr17:80,214,323-80,214,325); duplicating any one gives the same sequence. VCF-style (leftmost placement, unchanged base first): chr17-80214322-G-GA. GRCh37 (hg19) VCF-style: chr17-78188121-G-GA.
Other names: c.512dup, p.Phe172fs (NM_001352921.3, NM_001352922.2); short protein forms F172fs.
Identifiers: ClinVar variation 5012078 (VCV005012078.1).